The following is an entry in ClinVar:

NM_032119.4(ADGRV1):c.8432C>G (p.Ala2811Gly)

Gene: ADGRV1 (adhesion G protein-coupled receptor V1; plus strand). Cytogenetic location: 5q14.3.
Variant type: single nucleotide variant.
Coding change: c.8432C>G on transcript NM_032119.4 (MANE Select); coding-DNA position 8432, C replaced by G.
Protein change: p.Ala2811Gly; replaces alanine 2811 with glycine.
Molecular consequence: missense variant. On other transcripts: non-coding transcript variant (1).
Genome position (GRCh38, 1-based): chr5:90,705,445, C>G. VCF-style: chr5-90705445-C-G. GRCh37 (hg19) VCF-style: chr5-90001262-C-G.
Other names: c.8432C>G (NM_032119.3); short protein forms A2811G.
Identifiers: ClinVar variation 2118183 (VCV002118183.4), dbSNP rs1295413448, ClinGen allele CA360391074.
Genomic context (GRCh38, chr5:90,705,445, plus strand): 5'-GCCTGACATTTTTAGGAGTTCCACCAGCCGGAATCGCCCTGCTTGATGCTCAAGGATATG[C>G]AGCTGTCCTCACAGTAGAAGCCAGTGATGAACCACATGGAGTTTTAAATTTTGCTCTTTC-3'
Protein context (NP_115495.3, residues 2801-2821): GIALLDAQGY[Ala2811Gly]AVLTVEASDE

ClinVar aggregate classification (germline): Uncertain significance. Review status: criteria provided, multiple submitters, no conflicts (2 of 4 stars). 3 submissions from 3 submitters: Uncertain significance (3). Last evaluated 2026-04-04.

Conditions:
ADGRV1-related disorder. Also called: ADGRV1-related condition; ADGRV1-related disorders.

Allele frequency attached by ClinVar (database versions not stated): gnomAD exomes 0.00001.
gnomAD v4.1: 13 of 1,613,902 alleles (0.00081%); highest among the groups gnomAD compares: Non-Finnish European, 0.0011%; no homozygotes.

Submissions (3):

PreventionGenetics, part of Exact Sciences
Classification: Uncertain significance for ADGRV1-related condition. Last evaluated: 2026-04-04. Review status: criteria provided, single submitter. Criteria: ACMG Guidelines, 2015. Collection method: clinical testing. Allele origin: germline.
Comment: The ADGRV1 c.8432C>G variant is predicted to result in the amino acid substitution p.Ala2811Gly. To our knowledge, this variant has not been reported in the literature. This variant is reported in 0.00089% of alleles in individuals of European (Non-Finnish) descent in gnomAD. At this time, the clinical significance of this variant is uncertain due to the absence of conclusive functional and genetic evidence.

GeneDx
Classification: Uncertain significance. Last evaluated: 2025-04-09. Review status: criteria provided, single submitter. Criteria: GeneDx Variant Classification Process June 2021. Collection method: clinical testing. Allele origin: germline. Affected: yes.
Comment: Not observed at significant frequency in large population cohorts (gnomAD); In silico analysis indicates that this missense variant does not alter protein structure/function; Has not been previously published as pathogenic or benign to our knowledge

Labcorp Genetics (formerly Invitae), Labcorp
Classification: Uncertain significance. Last evaluated: 2022-03-27. Review status: criteria provided, single submitter. Criteria: Invitae Variant Classification Sherloc (09022015). Collection method: clinical testing. Allele origin: germline.
Comment: This sequence change replaces alanine, which is neutral and non-polar, with glycine, which is neutral and non-polar, at codon 2811 of the ADGRV1 protein (p.Ala2811Gly). This variant is present in population databases (no rsID available, gnomAD 0.0009%). This variant has not been reported in the literature in individuals affected with ADGRV1-related conditions. Algorithms developed to predict the effect of missense changes on protein structure and function are either unavailable or do not agree on the potential impact of this missense change (SIFT: "Tolerated"; PolyPhen-2: "Probably Damaging"; Align-GVGD: "Class C0"). In summary, the available evidence is currently insufficient to determine the role of this variant in disease. Therefore, it has been classified as a Variant of Uncertain Significance.